The following is an entry in ClinVar:

NM_017950.4(CCDC40):c.511C>A (p.Gln171Lys)

Gene: CCDC40 (coiled-coil domain 40 molecular ruler complex subunit; plus strand). Cytogenetic location: 17q25.3.
Variant type: single nucleotide variant.
Coding change: c.511C>A on transcript NM_017950.4 (MANE Select); coding-DNA position 511, C replaced by A.
Protein change: p.Gln171Lys; replaces glutamine 171 with lysine.
Molecular consequence: missense variant.
Genome position (GRCh38, 1-based): chr17:80,040,229, C>A. VCF-style: chr17-80040229-C-A. GRCh37 (hg19) VCF-style: chr17-78014028-C-A.
Other names: c.511C>A, p.Gln171Lys (NM_001243342.2, NM_001330508.2); short protein forms Q171K.
Identifiers: ClinVar variation 1048769 (VCV001048769.2), dbSNP rs2143578223, ClinGen allele CA401348814.
Genomic context (GRCh38, chr17:80,040,229, plus strand): 5'-TCCAGAGAAAGGAGGGTCACCTCCCCAGAGCCATCCCACGGAGTCTTAGGCCCGTCGGAG[C>A]AAATGGGCCAGGTCACCTCTGGGCCAGCAGTGGGCAGATTGGTGAGTAGCCCTGACTTCT-3'
Protein context (NP_060420.2, residues 161-181): PSHGVLGPSE[Gln171Lys]MGQVTSGPAV

ClinVar aggregate classification (germline): Uncertain significance. Review status: criteria provided, multiple submitters, no conflicts (2 of 4 stars). 2 submissions from 2 submitters: Uncertain significance (2). Last evaluated 2024-06-15.

Conditions:
Primary ciliary dyskinesia 15. Also called: CILIARY DYSKINESIA, PRIMARY, 15, WITH OR WITHOUT SITUS INVERSUS. Identifiers: Orphanet 244, MedGen C3151137, MONDO:0013435, OMIM 613808.
Primary ciliary dyskinesia. Also called: Ciliary dyskinesia. Identifiers: Orphanet 244, MedGen C0008780, MONDO:0016575, HP:0012265.

Submissions (2):

Ambry Genetics
Classification: Uncertain significance for Primary ciliary dyskinesia. Last evaluated: 2024-06-15. Review status: criteria provided, single submitter. Criteria: Ambry Variant Classification Scheme 2023. Collection method: clinical testing. Allele origin: germline.
Comment: The p.Q171K variant (also known as c.511C>A), located in coding exon 3 of the CCDC40 gene, results from a C to A substitution at nucleotide position 511. The glutamine at codon 171 is replaced by lysine, an amino acid with similar properties. This amino acid position is conserved. In addition, this alteration is predicted to be tolerated by in silico analysis. Based on the available evidence, the clinical significance of this variant remains unclear.

Johns Hopkins Genomics, Johns Hopkins University
Classification: Uncertain significance for Primary ciliary dyskinesia 15. Last evaluated: 2021-03-29. Review status: criteria provided, single submitter. Criteria: ACMG Guidelines, 2015. Collection method: clinical testing. Allele origin: germline.
Comment: CCDC40 c.511C>A is absent from a large population dataset and has not been reported in ClinVar nor the literature, to our knowledge. Three bioinformatic tools queried predict that this substitution would be tolerated. The glutamine residue at this position is evolutionarily conserved across most mammals, but not in the other species assessed. We consider the clinical significance of c.511C>A to be uncertain at this time.